The following is an entry in ClinVar:

ClinVar aggregate classification (germline): Uncertain significance (1 of 4 stars; one submission).

Submission:

Labcorp Genetics (formerly Invitae), Labcorp
Classification: Uncertain significance. Last evaluated: 2022-03-18. Review status: criteria provided, single submitter. Criteria: Invitae Variant Classification Sherloc (09022015). Collection method: clinical testing. Allele origin: germline.
Comment: This sequence change falls in intron 5 of the OSGEP gene. It does not directly change the encoded amino acid sequence of the OSGEP protein. This variant is not present in population databases (gnomAD no frequency). In summary, the available evidence is currently insufficient to determine the role of this variant in disease. Therefore, it has been classified as a Variant of Uncertain Significance. Algorithms developed to predict the effect of sequence changes on RNA splicing suggest that this variant may disrupt the consensus splice site. This variant has not been reported in the literature in individuals affected with OSGEP-related conditions.

NM_017807.4(OSGEP):c.558-9C>G

Gene: OSGEP (O-sialoglycoprotein endopeptidase; minus strand). Cytogenetic location: 14q11.2.
Variant type: single nucleotide variant.
Coding change: c.558-9C>G on transcript NM_017807.4 (MANE Select); 9 bases into the intron before coding-DNA position 558, C replaced by G.
Molecular consequence: intron variant.
Genome position (GRCh38, 1-based): chr14:20,448,820, G>C on the plus strand (C>G on the coding strand, the complement: OSGEP is on the minus strand). VCF-style: chr14-20448820-G-C. GRCh37 (hg19) VCF-style: chr14-20916979-G-C.
Identifiers: ClinVar variation 1384386 (VCV001384386.6), dbSNP rs2139290641, ClinGen allele CA2573149820.